The following is an entry in ClinVar:

ClinVar aggregate classification (germline): Uncertain significance (1 of 4 stars; one submission).

Conditions:
Familial hemophagocytic lymphohistiocytosis 2 (FHL2). Also called: PRF1-Related Familial Hemophagocytic Lymphohistiocytosis (PRF1-fHLH). Identifiers: Orphanet 540, MedGen C1863727, MONDO:0011337, OMIM 603553.

Allele frequency attached by ClinVar (database versions not stated): gnomAD exomes below 0.00001; TOPMed below 0.00001.
gnomAD v4.1: 2 of 1,613,416 alleles (0.00012%); highest among the groups gnomAD compares: Admixed American, 0.0033%; no homozygotes.

Submission:

Labcorp Genetics (formerly Invitae), Labcorp
Classification: Uncertain significance for Familial hemophagocytic lymphohistiocytosis 2. Last evaluated: 2022-09-19. Review status: criteria provided, single submitter. Criteria: Invitae Variant Classification Sherloc (09022015). Collection method: clinical testing. Allele origin: germline.
Comment: This sequence change replaces alanine, which is neutral and non-polar, with aspartic acid, which is acidic and polar, at codon 226 of the PRF1 protein (p.Ala226Asp). This variant is not present in population databases (gnomAD no frequency). This variant has not been reported in the literature in individuals affected with PRF1-related conditions. Algorithms developed to predict the effect of missense changes on protein structure and function (SIFT, PolyPhen-2, Align-GVGD) all suggest that this variant is likely to be tolerated. In summary, the available evidence is currently insufficient to determine the role of this variant in disease. Therefore, it has been classified as a Variant of Uncertain Significance.

NM_001083116.3(PRF1):c.677C>A (p.Ala226Asp)

Gene: PRF1 (perforin 1; minus strand). Cytogenetic location: 10q22.1.
Variant type: single nucleotide variant.
Coding change: c.677C>A on transcript NM_001083116.3 (MANE Select); coding-DNA position 677, C replaced by A.
Protein change: p.Ala226Asp; replaces alanine 226 with aspartic acid.
Molecular consequence: missense variant.
Genome position (GRCh38, 1-based): chr10:70,599,044, G>T on the plus strand (C>A on the coding strand, the complement: PRF1 is on the minus strand). VCF-style: chr10-70599044-G-T. GRCh37 (hg19) VCF-style: chr10-72358800-G-T.
Other names: c.677C>A, p.Ala226Asp (NM_005041.6); short protein forms A226D.
Identifiers: ClinVar variation 2104182 (VCV002104182.1), dbSNP rs764808366, ClinGen allele CA376958906.
Genomic context (GRCh38, chr10:70,599,044, plus strand): 5'-AGGGCCAGCTCGCAGGTGCGCAGGGCAGTGAGGGCCGATATGCGGCCACCCAGCTCCACA[G>T]CCCGGATGAAGTGGGTGCCGTAGTTGGAGATAAGCCTGAGGTAGGCGGGCTGGGTGGAGG-3'
Protein context (NP_001076585.1, residues 216-236): ISNYGTHFIR[Ala226Asp]VELGGRISAL